The following is an entry in ClinVar:

ClinVar aggregate classification (germline): Uncertain significance (1 of 4 stars; one submission).

Allele frequency attached by ClinVar (database versions not stated): gnomAD 0.00001; gnomAD exomes 0.00001; TOPMed 0.00001.
gnomAD v4.1: 11 of 1,551,002 alleles (0.00071%); highest among the groups gnomAD compares: Non-Finnish European, 0.00096%; no homozygotes.

Submission:

Labcorp Genetics (formerly Invitae), Labcorp
Classification: Uncertain significance. Last evaluated: 2022-02-05. Review status: criteria provided, single submitter. Criteria: Invitae Variant Classification Sherloc (09022015). Collection method: clinical testing. Allele origin: germline.
Comment: Algorithms developed to predict the effect of missense changes on protein structure and function are either unavailable or do not agree on the potential impact of this missense change (SIFT: "Not Available"; PolyPhen-2: "Benign"; Align-GVGD: "Not Available"). In summary, the available evidence is currently insufficient to determine the role of this variant in disease. Therefore, it has been classified as a Variant of Uncertain Significance. This variant has not been reported in the literature in individuals affected with UNC80-related conditions. This variant is present in population databases (no rsID available, gnomAD 0.002%). This sequence change replaces threonine, which is neutral and polar, with alanine, which is neutral and non-polar, at codon 2039 of the UNC80 protein (p.Thr2039Ala).

NM_001371986.1(UNC80):c.6313A>G (p.Thr2105Ala)

Gene: UNC80 (unc-80 subunit of NALCN channel complex; plus strand). Cytogenetic location: 2q34.
Variant type: single nucleotide variant.
Coding change: c.6313A>G on transcript NM_001371986.1 (MANE Select); coding-DNA position 6313, A replaced by G.
Protein change: p.Thr2105Ala; replaces threonine 2105 with alanine.
Molecular consequence: missense variant.
Genome position (GRCh38, 1-based): chr2:209,936,883, A>G. VCF-style: chr2-209936883-A-G. GRCh37 (hg19) VCF-style: chr2-210801607-A-G.
Other names: c.6115A>G, p.Thr2039Ala (NM_032504.2); c.6100A>G, p.Thr2034Ala (NM_182587.4); short protein forms T2039A, T2105A, T2034A.
Identifiers: ClinVar variation 1500120 (VCV001500120.8), dbSNP rs949514083, ClinGen allele CA65042145.